The following is an entry in ClinVar:

NM_000038.6(APC):c.6812C>G (p.Pro2271Arg)

Gene: APC (APC regulator of Wnt signaling pathway; plus strand). Cytogenetic location: 5q22.2.
Variant type: single nucleotide variant.
Coding change: c.6812C>G on transcript NM_000038.6 (MANE Select); coding-DNA position 6812, C replaced by G.
Protein change: p.Pro2271Arg; replaces proline 2271 with arginine.
Molecular consequence: missense variant.
Genome position (GRCh38, 1-based): chr5:112,842,406, C>G. VCF-style: chr5-112842406-C-G. GRCh37 (hg19) VCF-style: chr5-112178103-C-G.
Other names: c.6812C>G, p.Pro2271Arg (NM_001127510.3, NM_001354895.2); c.6758C>G, p.Pro2253Arg (NM_001127511.3); c.6866C>G, p.Pro2289Arg (NM_001354896.2); c.6842C>G, p.Pro2281Arg (NM_001354897.2); c.6737C>G, p.Pro2246Arg (NM_001354898.2); c.6728C>G, p.Pro2243Arg (NM_001354899.2); c.6689C>G, p.Pro2230Arg (NM_001354900.2); c.6635C>G, p.Pro2212Arg (NM_001354901.2); and 5 more; short protein forms P2253R, P2271R, P1988R, P2111R, P2180R, P2212R, P2289R, P2230R.
Identifiers: ClinVar variation 632635 (VCV000632635.2), dbSNP rs1561610413, ClinGen allele CA16036206.

ClinVar aggregate classification (germline): Uncertain significance (1 of 4 stars; one submission).

Submission:

Women's Health and Genetics/Laboratory Corporation of America, LabCorp
Classification: Uncertain significance. Last evaluated: 2026-02-13. Review status: criteria provided, single submitter. Criteria: LabCorp Variant Classification Summary - May 2015. Collection method: clinical testing. Allele origin: germline.
Comment: Variant summary: APC c.6812C>G (p.Pro2271Arg) results in a non-conservative amino acid change in the encoded protein sequence. Algorithms developed to predict the effect of missense changes on protein structure and function all suggest that this variant is likely to be disruptive. The frequency data for this variant in gnomAD is considered unreliable, as metrics indicate poor data quality at this position. To our knowledge, no occurrence of c.6812C>G in individuals affected with APC-related conditions and no experimental evidence demonstrating its impact on protein function have been reported. ClinVar contains an entry for this variant (Variation ID: 632635). Based on the evidence outlined above, the variant was classified as uncertain significance.